The following is an entry in ClinVar:

ClinVar aggregate classification (germline): Uncertain significance (1 of 4 stars; one submission).

Allele frequency attached by ClinVar (database versions not stated): TOPMed below 0.00001.
gnomAD v4.1: 1 of 1,595,282 alleles (0.000063%); highest among the groups gnomAD compares: Non-Finnish European, 0.000085%; no homozygotes.

Submission:

Labcorp Genetics (formerly Invitae), Labcorp
Classification: Uncertain significance. Last evaluated: 2022-05-15. Review status: criteria provided, single submitter. Criteria: Invitae Variant Classification Sherloc (09022015). Collection method: clinical testing. Allele origin: germline.
Comment: This sequence change replaces glutamine, which is neutral and polar, with leucine, which is neutral and non-polar, at codon 101 of the TIMM50 protein (p.Gln101Leu). This variant is not present in population databases (gnomAD no frequency). This variant has not been reported in the literature in individuals affected with TIMM50-related conditions. Algorithms developed to predict the effect of missense changes on protein structure and function are either unavailable or do not agree on the potential impact of this missense change (SIFT: "Not Available"; PolyPhen-2: "Benign"; Align-GVGD: "Not Available"). In summary, the available evidence is currently insufficient to determine the role of this variant in disease. Therefore, it has been classified as a Variant of Uncertain Significance.

NM_001001563.5(TIMM50):c.-8A>T

Gene: TIMM50 (translocase of inner mitochondrial membrane 50; plus strand). Cytogenetic location: 19q13.2.
Variant type: single nucleotide variant.
Coding change: c.-8A>T on transcript NM_001001563.5 (MANE Select); 8 bases upstream of the start codon, A replaced by T.
Molecular consequence: 5 prime UTR variant.
Genome position (GRCh38, 1-based): chr19:39,480,846, A>T. VCF-style: chr19-39480846-A-T. GRCh37 (hg19) VCF-style: chr19-39971486-A-T.
Other names: c.-288A>T (NM_001329559.2).
Identifiers: ClinVar variation 1923249 (VCV001923249.2), dbSNP rs2079464899, ClinGen allele CA405785778.
Genomic context (GRCh38, chr19:39,480,846, plus strand): 5'-GCTGTAGCTCCGGCCCGGGGCGGGCGAAGAGGGAGCGAGTGGGCGGGGCCGCGTGGCGTC[A>T]GCGCAAGATGGCGGCCTCGGCAGCGGTGTTCTCGCGCTTGCGAAGCGGGCTCCGGCTCGG-3'